The following is an entry in ClinVar:

NM_001080467.3(MYO5B):c.2090+3A>T

Gene: MYO5B (myosin VB; minus strand). Cytogenetic location: 18q21.1.
Variant type: single nucleotide variant.
Coding change: c.2090+3A>T on transcript NM_001080467.3 (MANE Select); 3 bases into the intron after coding-DNA position 2090, A replaced by T.
Molecular consequence: intron variant.
Genome position (GRCh38, 1-based): chr18:49,929,509, T>A on the plus strand (A>T on the coding strand, the complement: MYO5B is on the minus strand). VCF-style: chr18-49929509-T-A. GRCh37 (hg19) VCF-style: chr18-47455879-T-A.
Identifiers: ClinVar variation 1184992 (VCV001184992.4), dbSNP rs2144194879, ClinGen allele CA2573054674.

ClinVar aggregate classification (germline): Likely pathogenic (1 of 4 stars; one submission).

Conditions:
Congenital microvillous atrophy (DIAR2). Also called: Microvillus inclusion disease; MICROVILLUS ATROPHY, CONGENITAL; Diarrhea 2 with microvillus atrophy, with or without cholestasis; CONGENITAL FAMILIAL PROTRACTED DIARRHEA WITH ENTEROCYTE BRUSH-BORDER ABNORMALITIES; DAVIDSON DISEASE. Identifiers: Orphanet 2290, MedGen C0341306, MONDO:0009635, OMIM 251850.

Submission:

The Laboratory of Genetics and Metabolism, Hunan Children’s Hospital
Classification: Likely pathogenic for Congenital microvillous atrophy. Last evaluated: 2021-07-16. Review status: criteria provided, single submitter. Criteria: ACMG Guidelines, 2015. Collection method: clinical testing. Allele origin: inherited, not applicable. Inheritance: Autosomal recessive inheritance. Affected: yes. Observed: 1 variant allele, 1 homozygote. Functional consequence: effect on RNA splicing.
Comment: The c.2090+3A>T variant in MYO5B was absent from large population studies (e.g. gnomAD database). It is located in the motor domain which is a mutational hot spot region. Bioinformatics softwares dbscSNV, SpliceAI and Trap predicted this variant was splice altering and deleterious. Patientâ€™s phenotype or family history is highly specific for a disease with a single genetic etiology. Additionally, in vitro functional studies indicate that this variant can cause 185 bp retention of intron 17 in the transcripts of MYO5B. The retention is predicted to generate amino acid sequence p.Arg697fs*47 and the translation pre-terminated near the end of the head motor domain of myoVb. In summary, according to the ACMG criteria (Richards et al., 2015), this variant was classified as likely pathogenic (PS3, PM1, PM2, PP3, PP4).